The following is an entry in ClinVar:

NM_007254.4(PNKP):c.1223C>G (p.Thr408Arg)

Gene: PNKP (polynucleotide kinase 3'-phosphatase; minus strand). Cytogenetic location: 19q13.33.
Variant type: single nucleotide variant.
Coding change: c.1223C>G on transcript NM_007254.4 (MANE Select); coding-DNA position 1223, C replaced by G.
Protein change: p.Thr408Arg; replaces threonine 408 with arginine.
Molecular consequence: missense variant.
Genome position (GRCh38, 1-based): chr19:49,861,847, G>C on the plus strand (C>G on the coding strand, the complement: PNKP is on the minus strand). VCF-style: chr19-49861847-G-C. GRCh37 (hg19) VCF-style: chr19-50365104-G-C.
Other names: p.Thr408Arg; short protein forms T408R.
Identifiers: ClinVar variation 4542362 (VCV004542362.1).
Genomic context (GRCh38, chr19:49,861,847, plus strand): 5'-GCGTCTGGGTTTGTGTTGTCGATGGCGACCCGTTTCCCTTGCTTCAGGGCTGTCTCACAC[G>C]TGGTCACACAGCGCTGCCAGGAGCCTAGCGTGTCCTGGGGACACGAGAGGTCACAAACAG-3'
Protein context (NP_009185.2, residues 398-418): TLGSWQRCVT[Thr408Arg]CETALKQGKR

ClinVar aggregate classification (germline): Uncertain significance (1 of 4 stars; one submission).

Submission:

Mayo Clinic Laboratories, Mayo Clinic
Classification: Uncertain significance. Last evaluated: 2025-08-07. Review status: criteria provided, single submitter. Criteria: ACMG Guidelines, 2015. Collection method: clinical testing. Allele origin: germline. Observed: 1 variant allele.
Comment: BP4_moderate, PM2_supporting